The following is an entry in ClinVar:

NM_004006.3(DMD):c.3643A>G (p.Lys1215Glu)

Gene: DMD (dystrophin; minus strand). Cytogenetic location: Xp21.1.
Variant type: single nucleotide variant.
Coding change: c.3643A>G on transcript NM_004006.3 (MANE Select); coding-DNA position 3643, A replaced by G.
Protein change: p.Lys1215Glu; replaces lysine 1215 with glutamic acid.
Molecular consequence: missense variant.
Genome position (GRCh38, 1-based): chrX:32,448,599, T>C on the plus strand (A>G on the coding strand, the complement: DMD is on the minus strand). VCF-style: chrX-32448599-T-C. GRCh37 (hg19) VCF-style: chrX-32466716-T-C.
Other names: c.3619A>G, p.Lys1207Glu (NM_000109.4); c.3631A>G, p.Lys1211Glu (NM_004009.3); c.3274A>G, p.Lys1092Glu (NM_004010.3); short protein forms K1092E, K1215E, K1207E, K1211E.
Identifiers: ClinVar variation 2791225 (VCV002791225.4), dbSNP rs1232279975, ClinGen allele CA412662225.

ClinVar aggregate classification (germline): Uncertain significance. Review status: criteria provided, multiple submitters, no conflicts (2 of 4 stars). 2 submissions from 2 submitters: Uncertain significance (2). Last evaluated 2024-01-20.

Conditions:
Duchenne muscular dystrophy (DMD). Also called: MUSCULAR DYSTROPHY, PSEUDOHYPERTROPHIC PROGRESSIVE, DUCHENNE TYPE; Duchenne Muscular Dystrophy (DMD). Identifiers: Orphanet 98896, MedGen C0013264, MONDO:0010679, OMIM 310200.

Allele frequency attached by ClinVar (database versions not stated): TOPMed 0.00001.
gnomAD v4.1: 1 of 1,208,238 alleles (0.000083%); highest among the groups gnomAD compares: East Asian, 0.003%; no homozygotes.

Submissions (2):

Labcorp Genetics (formerly Invitae), Labcorp
Classification: Uncertain significance for Duchenne muscular dystrophy. Last evaluated: 2024-01-20. Review status: criteria provided, single submitter. Criteria: Invitae Variant Classification Sherloc (09022015). Collection method: clinical testing. Allele origin: germline.
Comment: This sequence change replaces lysine, which is basic and polar, with glutamic acid, which is acidic and polar, at codon 1215 of the DMD protein (p.Lys1215Glu). This variant is not present in population databases (gnomAD no frequency). This variant has not been reported in the literature in individuals affected with DMD-related conditions. Advanced modeling of protein sequence and biophysical properties (such as structural, functional, and spatial information, amino acid conservation, physicochemical variation, residue mobility, and thermodynamic stability) performed at Invitae indicates that this missense variant is not expected to disrupt DMD protein function with a negative predictive value of 95%. In summary, the available evidence is currently insufficient to determine the role of this variant in disease. Therefore, it has been classified as a Variant of Uncertain Significance.

GeneDx
Classification: Uncertain significance. Last evaluated: 2023-05-19. Review status: criteria provided, single submitter. Criteria: GeneDx Variant Classification Process June 2021. Collection method: clinical testing. Allele origin: germline. Affected: yes.
Comment: Has not been previously published as pathogenic or benign to our knowledge; Not observed at significant frequency in large population cohorts (gnomAD); In silico analysis supports that this missense variant has a deleterious effect on protein structure/function